The following is an entry in ClinVar:

NM_014751.6(MTSS1):c.1017G>T (p.Pro339=)

Gene: MTSS1 (MTSS I-BAR domain containing 1; minus strand). Cytogenetic location: 8q24.13.
Variant type: single nucleotide variant.
Coding change: c.1017G>T on transcript NM_014751.6 (MANE Select); coding-DNA position 1017, G replaced by T.
Protein change: p.Pro339=; no amino-acid change (proline 339 retained).
Molecular consequence: synonymous variant.
Genome position (GRCh38, 1-based): chr8:124,562,800, C>A on the plus strand (G>T on the coding strand, the complement: MTSS1 is on the minus strand). VCF-style: chr8-124562800-C-A. GRCh37 (hg19) VCF-style: chr8-125575041-C-A.
Other names: c.1029G>T, p.Pro343= (NM_001282971.2, NM_001363296.2, NM_001363299.2); c.1017G>T, p.Pro339= (NM_001282974.2, NM_001363295.2, NM_001363300.2 and 1 more transcripts); c.1014G>T, p.Pro338= (NM_001363294.2, NM_001363298.2, NM_001363301.2); c.1026G>T, p.Pro342= (NM_001363297.2).
Identifiers: ClinVar variation 1695237 (VCV001695237.31), dbSNP rs138654761, ClinGen allele CA4872089.

ClinVar aggregate classification (germline): Likely benign (1 of 4 stars; one submission).

Allele frequency attached by ClinVar (database versions not stated): 1000 Genomes Project 30x 0.00016; 1000 Genomes Project 0.00020; ESP Exome Variant Server 0.00054.
gnomAD v4.1: 917 of 1,614,046 alleles (0.057%); highest among the groups gnomAD compares: Non-Finnish European, 0.056%; no homozygotes.

Submission:

CeGaT Center for Human Genetics Tuebingen
Classification: Likely benign. Last evaluated: 2026-04-01. Review status: criteria provided, single submitter. Criteria: CeGaT Center For Human Genetics Tuebingen Variant Classification Criteria Version 2. Collection method: clinical testing. Allele origin: germline. Affected: yes. Observed: 3 variant alleles.
Comment: MTSS1: BP4, BP7